The following is an entry in ClinVar:

ClinVar aggregate classification (germline): Uncertain significance. Review status: criteria provided, multiple submitters, no conflicts (2 of 4 stars). 5 submissions from 5 submitters: Uncertain significance (5). Last evaluated 2025-02-19.

Conditions:
Pyridoxine-dependent epilepsy (EPEO4). Also called: Pyridoxine-Dependent Seizures; Pyridoxine-Dependent Epilepsy - ALDH7A1; EPILEPSY, EARLY-ONSET, 4, VITAMIN B6-DEPENDENT; PYRIDOXINE DEPENDENCY WITH SEIZURES. Identifiers: Orphanet 3006, MedGen C1849508, MONDO:0009945, OMIM 266100. Disease mechanism: loss of function.
Inborn genetic diseases. Identifiers: MedGen C0950123, MeSH D030342.

Allele frequency attached by ClinVar (database versions not stated): ExAC 0.00002; gnomAD exomes 0.00002; TOPMed 0.00002; gnomAD 0.00003.
gnomAD v4.1: 30 of 1,613,982 alleles (0.0019%); highest among the groups gnomAD compares: Middle Eastern, 0.017%; no homozygotes.

Submissions (5):

Ambry Genetics
Classification: Uncertain significance for Inborn genetic diseases. Last evaluated: 2025-02-19. Review status: criteria provided, single submitter. Criteria: Ambry Variant Classification Scheme 2023. Collection method: clinical testing. Allele origin: germline.

Blueprint Genetics
Classification: Uncertain significance. Last evaluated: 2024-11-08. Review status: criteria provided, single submitter. Criteria: ACMG Guidelines, 2015. Collection method: clinical testing. Allele origin: germline.

Labcorp Genetics (formerly Invitae), Labcorp
Classification: Uncertain significance for Pyridoxine-dependent epilepsy. Last evaluated: 2024-05-15. Review status: criteria provided, single submitter. Criteria: Invitae Variant Classification Sherloc (09022015). Collection method: clinical testing. Allele origin: germline.
Comment: This sequence change replaces methionine, which is neutral and non-polar, with valine, which is neutral and non-polar, at codon 261 of the ALDH7A1 protein (p.Met261Val). This variant is present in population databases (rs767172222, gnomAD 0.004%). This variant has not been reported in the literature in individuals affected with ALDH7A1-related conditions. ClinVar contains an entry for this variant (Variation ID: 655666). Advanced modeling of protein sequence and biophysical properties (such as structural, functional, and spatial information, amino acid conservation, physicochemical variation, residue mobility, and thermodynamic stability) performed at Invitae indicates that this missense variant is expected to disrupt ALDH7A1 protein function with a positive predictive value of 80%. In summary, the available evidence is currently insufficient to determine the role of this variant in disease. Therefore, it has been classified as a Variant of Uncertain Significance.

GeneDx
Classification: Uncertain significance. Last evaluated: 2023-06-20. Review status: criteria provided, single submitter. Criteria: GeneDx Variant Classification Process June 2021. Collection method: clinical testing. Allele origin: germline. Affected: yes.
Comment: In silico analysis supports that this missense variant has a deleterious effect on protein structure/function

Genome-Nilou Lab
Classification: Uncertain significance for Pyridoxine-dependent epilepsy. Last evaluated: 2023-04-11. Review status: criteria provided, single submitter. Criteria: ACMG Guidelines, 2015. Collection method: clinical testing. Allele origin: germline. Affected: no.

NM_001182.5(ALDH7A1):c.781A>G (p.Met261Val)

Gene: ALDH7A1 (aldehyde dehydrogenase 7 family member A1; minus strand). Cytogenetic location: 5q23.2.
Variant type: single nucleotide variant.
Coding change: c.781A>G on transcript NM_001182.5 (MANE Select); coding-DNA position 781, A replaced by G.
Protein change: p.Met261Val; replaces methionine 261 with valine.
Molecular consequence: missense variant.
Genome position (GRCh38, 1-based): chr5:126,568,349, T>C on the plus strand (A>G on the coding strand, the complement: ALDH7A1 is on the minus strand). VCF-style: chr5-126568349-T-C. GRCh37 (hg19) VCF-style: chr5-125904041-T-C.
Other names: c.697A>G, p.Met233Val (NM_001201377.2); c.781A>G, p.Met261Val (NM_001202404.2); short protein forms M261V, M233V.
Identifiers: ClinVar variation 655666 (VCV000655666.12), dbSNP rs767172222, ClinGen allele CA3389647.